The following is an entry in ClinVar:

NM_001365536.1(SCN9A):c.3287C>A (p.Ser1096Tyr)

Genes: SCN9A (sodium voltage-gated channel alpha subunit 9; minus strand), SCN1A-AS1 (SCN1A and SCN9A antisense RNA 1; plus strand). Cytogenetic location: 2q24.3.
Variant type: single nucleotide variant.
Coding change: c.3287C>A on transcript NM_001365536.1 (MANE Select); coding-DNA position 3287, C replaced by A.
Protein change: p.Ser1096Tyr; replaces serine 1096 with tyrosine.
Molecular consequence: missense variant.
Genome position (GRCh38, 1-based): chr2:166,272,463, G>T on the plus strand (C>A on the coding strand, the complement: SCN9A is on the minus strand). VCF-style: chr2-166272463-G-T. GRCh37 (hg19) VCF-style: chr2-167128973-G-T.
Other names: c.3254C>A, p.Ser1085Tyr (NM_002977.4); short protein forms S1096Y, S1085Y.
Identifiers: ClinVar variation 1475931 (VCV001475931.6), dbSNP rs1474797213, ClinGen allele CA349072689.
Genomic context (GRCh38, chr2:166,272,463, plus strand): 5'-TTGCTGTATTCACTATCCGAATCACTGCTAAGTTCCTCAGCATTCATATTTTCCAAATCG[G>T]ATTCCCCAGGTGCAATTGGCACTGTCACTGTGAGGCTGGGATTGTGAATAAATGATTGAC-3'
Protein context (NP_001352465.1, residues 1086-1106): TVTVPIAPGE[Ser1096Tyr]DLENMNAEEL

ClinVar aggregate classification (germline): Uncertain significance (1 of 4 stars; one submission).

Conditions:
Generalized epilepsy with febrile seizures plus, type 7 (GEFSP7). Also called: GEFS+, TYPE 7. Identifiers: Orphanet 36387, MedGen C2751778, MONDO:0013470, OMIM 613863.
Neuropathy, hereditary sensory and autonomic, type 2A (HSAN2A). Also called: ACROOSTEOLYSIS, GIACCAI TYPE; ACROOSTEOLYSIS, NEUROGENIC; MORVAN DISEASE; HSAN IIA; NEUROPATHY, CONGENITAL SENSORY; NEUROPATHY, HEREDITARY SENSORY RADICULAR, AUTOSOMAL RECESSIVE. Identifiers: Orphanet 970, MedGen C2752089, MONDO:0024309, OMIM 201300.

Allele frequency attached by ClinVar (database versions not stated): gnomAD 0.00001; TOPMed 0.00001.
gnomAD v4.1: 2 of 1,611,652 alleles (0.00012%); highest among the groups gnomAD compares: Non-Finnish European, 0.000085%; no homozygotes.

Submission:

Labcorp Genetics (formerly Invitae), Labcorp
Classification: Uncertain significance for Neuropathy, hereditary sensory and autonomic, type 2A; Generalized epilepsy with febrile seizures plus, type 7. Last evaluated: 2024-08-27. Review status: criteria provided, single submitter. Criteria: Invitae Variant Classification Sherloc (09022015). Collection method: clinical testing. Allele origin: germline.
Comment: This sequence change replaces serine, which is neutral and polar, with tyrosine, which is neutral and polar, at codon 1085 of the SCN9A protein (p.Ser1085Tyr). This variant is not present in population databases (gnomAD no frequency). This variant has not been reported in the literature in individuals affected with SCN9A-related conditions. ClinVar contains an entry for this variant (Variation ID: 1475931). Invitae Evidence Modeling of protein sequence and biophysical properties (such as structural, functional, and spatial information, amino acid conservation, physicochemical variation, residue mobility, and thermodynamic stability) has been performed for this missense variant. However, the output from this modeling did not meet the statistical confidence thresholds required to predict the impact of this variant on SCN9A protein function. In summary, the available evidence is currently insufficient to determine the role of this variant in disease. Therefore, it has been classified as a Variant of Uncertain Significance.